The following is an entry in ClinVar:

ClinVar aggregate classification (germline): Uncertain significance (1 of 4 stars; one submission).

Submission:

GeneDx
Classification: Uncertain significance. Last evaluated: 2026-03-26. Review status: criteria provided, single submitter. Criteria: GeneDx Variant Classification Process June 2021. Collection method: clinical testing. Allele origin: germline.
Comment: Not observed at significant frequency in large population cohorts (gnomAD); In silico analysis supports that this missense variant has a deleterious effect on protein structure/function; Has not been previously published as pathogenic or benign to our knowledge

NM_052867.4(NALCN):c.3511G>C (p.Asp1171His)

Gene: NALCN (sodium leak channel, non-selective; minus strand). Cytogenetic location: 13q32.3.
Variant type: single nucleotide variant.
Coding change: c.3511G>C on transcript NM_052867.4 (MANE Select); coding-DNA position 3511, G replaced by C.
Protein change: p.Asp1171His; replaces aspartic acid 1171 with histidine.
Molecular consequence: missense variant.
Genome position (GRCh38, 1-based): chr13:101,083,783, C>G on the plus strand (G>C on the coding strand, the complement: NALCN is on the minus strand). VCF-style: chr13-101083783-C-G. GRCh37 (hg19) VCF-style: chr13-101736134-C-G.
Other names: c.3598G>C, p.Asp1200His (NM_001350748.2); c.3511G>C, p.Asp1171His (NM_001350749.2); c.3424G>C, p.Asp1142His (NM_001350750.2, NM_001350751.2); short protein forms D1142H, D1171H, D1200H.
Identifiers: ClinVar variation 5017537 (VCV005017537.1).